The following is an entry in ClinVar:

ClinVar aggregate classification (germline): Likely benign. Review status: criteria provided, multiple submitters, no conflicts (2 of 4 stars). 4 submissions from 4 submitters: Likely benign (3). 1 of the submissions does not count toward it. Last evaluated 2026-01-30.

Conditions:
DNAH1-related disorder. Also called: DNAH1-related condition.
Spermatogenic failure 18. Identifiers: MedGen C4539783, MONDO:0054615, OMIM 617576.
Ciliary dyskinesia, primary, 37 (CILD37). Also called: CILIARY DYSKINESIA, PRIMARY, 37, WITH OR WITHOUT SITUS INVERSUS. Identifiers: MedGen C4539798, MONDO:0033204, OMIM 617577.

Allele frequency attached by ClinVar (database versions not stated): 1000 Genomes Project 30x 0.00031; 1000 Genomes Project 0.00040; ESP Exome Variant Server 0.00071; gnomAD exomes 0.00106 and 0.00136; TOPMed 0.00121; ExAC 0.00152; gnomAD 0.00167 and 0.00176.

Submissions (4):

Labcorp Genetics (formerly Invitae), Labcorp
Classification: Likely benign for Ciliary dyskinesia, primary, 37; Spermatogenic failure 18. Last evaluated: 2026-01-30. Review status: criteria provided, single submitter. Criteria: Invitae Variant Classification Sherloc (09022015). Collection method: clinical testing. Allele origin: germline.

Blueprint Genetics
Classification: Likely benign. Last evaluated: 2024-11-26. Review status: criteria provided, single submitter. Criteria: ACMG Guidelines, 2015. Collection method: clinical testing. Allele origin: germline.

CeGaT Center for Human Genetics Tuebingen
Classification: Likely benign. Last evaluated: 2022-04-01. Review status: criteria provided, single submitter. Criteria: CeGaT Center For Human Genetics Tuebingen Variant Classification Criteria Version 2. Collection method: clinical testing. Allele origin: germline. Affected: yes. Observed: 1 variant allele.
Comment: DNAH1: BP4, BS2

PreventionGenetics, part of Exact Sciences
Classification: Likely benign for DNAH1-related condition. Last evaluated: 2020-08-31. Review status: no assertion criteria provided. Collection method: clinical testing. Allele origin: germline. Not counted in ClinVar's aggregate classification.
Comment: This variant is classified as likely benign based on ACMG/AMP sequence variant interpretation guidelines (Richards et al. 2015 PMID: 25741868, with internal and published modifications).

NM_015512.5(DNAH1):c.1442G>A (p.Arg481Gln)

Gene: DNAH1 (dynein axonemal heavy chain 1; plus strand). Cytogenetic location: 3p21.1.
Variant type: single nucleotide variant.
Coding change: c.1442G>A on transcript NM_015512.5 (MANE Select); coding-DNA position 1442, G replaced by A.
Protein change: p.Arg481Gln; replaces arginine 481 with glutamine.
Molecular consequence: missense variant.
Genome position (GRCh38, 1-based): chr3:52,344,645, G>A. VCF-style: chr3-52344645-G-A. GRCh37 (hg19) VCF-style: chr3-52378661-G-A.
Other names: short protein forms R481Q.
Identifiers: ClinVar variation 706984 (VCV000706984.35), dbSNP rs199870577, ClinGen allele CA2432968.